The following is an entry in ClinVar:

NM_001270974.2(HYDIN):c.1531del (p.Ser511fs)

Gene: HYDIN (HYDIN axonemal central pair apparatus protein; minus strand). Cytogenetic location: 16q22.2.
Variant type: Deletion.
Coding change: c.1531del on transcript NM_001270974.2 (MANE Select); coding-DNA position 1531, one base deleted (A; older notation c.1531delA).
Protein change: p.Ser511fs; shifts the reading frame from serine 511.
Molecular consequence: frameshift variant.
Genome position (GRCh38, 1-based): chr16:71,088,440, T deleted on the plus strand (A on the coding strand, the reverse complement: HYDIN is on the minus strand). VCF-style (leftmost placement, unchanged base first): chr16-71088439-CT-C. GRCh37 (hg19) VCF-style: chr16-71122342-CT-C.
Other names: c.1612del, p.Ser538fs (NM_001198542.1); c.1582del, p.Ser528fs (NM_001198543.1); c.1531del, p.Ser511fs (NM_017558.5); short protein forms S511fs, S528fs, S538fs.
Identifiers: ClinVar variation 4880056 (VCV004880056.1).
Genomic context (GRCh38, chr16:71,088,439, plus strand): 5'-GAGCTGAAGGAGATCTGGATAGCTTGGACTCCACTTGGTTCAATGATGCCTTCCTTGGGA[CT>C]GAAAACAAAGCAGGCCCCCAAAGCTGAAGTTGGAGGGGTCATGTTGAAGAGAGCATCGAT-3'

ClinVar aggregate classification (germline): Pathogenic (1 of 4 stars; one submission).

Conditions:
Primary ciliary dyskinesia. Also called: Ciliary dyskinesia. Identifiers: Orphanet 244, MedGen C0008780, MONDO:0016575, HP:0012265.

Submission:

Department of Human Genetics, Hannover Medical School
Classification: Pathogenic for Primary Ciliary Dyskinesia. Last evaluated: 2026-04-01. Review status: criteria provided, single submitter. Criteria: ACMG Guidelines, 2015. Collection method: research. Allele origin: germline. Affected: no.
Comment: Classification performed by HerediClassify using the following criteria:['PM2_supporting: Variant occures does not occur as homozygous in gnomAD.', 'PP3_splicing_supporting: Variant is predicted to have a splice effect by SpliceAI with evidence strength supporting.', 'PVS1_protein_very_strong: Transcript ENST00000393567 is predicted to undergo NMD.', "PP4_supporting: The modified PICADAR socre of 2.0 exceeds threshold of 2 achieving 'supporting' evidence strength."]